The following is an entry in ClinVar:

ClinVar aggregate classification (germline): Uncertain significance. Review status: criteria provided, multiple submitters, no conflicts (2 of 4 stars). 2 submissions from 2 submitters: Uncertain significance (2). Last evaluated 2024-08-30.

Allele frequency attached by ClinVar (database versions not stated): gnomAD exomes below 0.00001; gnomAD 0.00001; TOPMed 0.00001.
gnomAD v4.1: 5 of 1,614,042 alleles (0.00031%); highest among the groups gnomAD compares: Non-Finnish European, 0.00042%; no homozygotes.

Submissions (2):

Blueprint Genetics
Classification: Uncertain significance. Last evaluated: 2024-08-30. Review status: criteria provided, single submitter. Criteria: ACMG Guidelines, 2015. Collection method: clinical testing. Allele origin: germline.

Labcorp Genetics (formerly Invitae), Labcorp
Classification: Uncertain significance. Last evaluated: 2022-11-22. Review status: criteria provided, single submitter. Criteria: Invitae Variant Classification Sherloc (09022015). Collection method: clinical testing. Allele origin: germline.
Comment: This variant is not present in population databases (gnomAD no frequency). This sequence change replaces serine, which is neutral and polar, with leucine, which is neutral and non-polar, at codon 571 of the CNGA1 protein (p.Ser571Leu). This variant has not been reported in the literature in individuals affected with CNGA1-related conditions. In summary, the available evidence is currently insufficient to determine the role of this variant in disease. Therefore, it has been classified as a Variant of Uncertain Significance. Algorithms developed to predict the effect of missense changes on protein structure and function (SIFT, PolyPhen-2, Align-GVGD) all suggest that this variant is likely to be disruptive.

NM_001379270.1(CNGA1):c.1700C>T (p.Ser567Leu)

Genes: CNGA1 (cyclic nucleotide gated channel subunit alpha 1; minus strand), LOC101927157 (uncharacterized LOC101927157; plus strand). Cytogenetic location: 4p12.
Variant type: single nucleotide variant.
Coding change: c.1700C>T on transcript NM_001379270.1 (MANE Select); coding-DNA position 1700, C replaced by T.
Protein change: p.Ser567Leu; replaces serine 567 with leucine.
Molecular consequence: missense variant.
Genome position (GRCh38, 1-based): chr4:47,936,782, G>A on the plus strand (C>T on the coding strand, the complement: CNGA1 is on the minus strand). VCF-style: chr4-47936782-G-A. GRCh37 (hg19) VCF-style: chr4-47938799-G-A.
Other names: c.1700C>T, p.Ser567Leu (NM_000087.5, NM_001142564.2); short protein forms S567L.
Identifiers: ClinVar variation 1912627 (VCV001912627.6), dbSNP rs1361201357, ClinGen allele CA356824329.